The following is an entry in ClinVar:

ClinVar aggregate classification (germline): Uncertain significance (1 of 4 stars; one submission).

Conditions:
Hereditary cancer-predisposing syndrome. Also called: Tumor predisposition; Hereditary neoplastic syndrome; Hereditary Cancer Syndrome; Neoplastic Syndromes, Hereditary. Identifiers: Orphanet 140162, MedGen C0027672, MeSH D009386, MONDO:0015356.

Submission:

Ambry Genetics
Classification: Uncertain significance for Hereditary cancer-predisposing syndrome. Last evaluated: 2021-06-30. Review status: criteria provided, single submitter. Criteria: Ambry Variant Classification Scheme 2023. Collection method: clinical testing. Allele origin: germline.
Comment: The p.K99N variant (also known as c.297G>T), located in coding exon 2 of the MSH3 gene, results from a G to T substitution at nucleotide position 297. The lysine at codon 99 is replaced by asparagine, an amino acid with similar properties. This amino acid position is conserved. In addition, the in silico prediction for this alteration is inconclusive. Since supporting evidence is limited at this time, the clinical significance of this alteration remains unclear.

NM_002439.5(MSH3):c.297G>T (p.Lys99Asn)

Gene: MSH3 (mutS homolog 3; plus strand). Cytogenetic location: 5q14.1.
Variant type: single nucleotide variant.
Coding change: c.297G>T on transcript NM_002439.5 (MANE Select); coding-DNA position 297, G replaced by T.
Protein change: p.Lys99Asn; replaces lysine 99 with asparagine.
Molecular consequence: missense variant.
Genome position (GRCh38, 1-based): chr5:80,656,470, G>T. VCF-style: chr5-80656470-G-T. GRCh37 (hg19) VCF-style: chr5-79952289-G-T.
Other names: short protein forms K99N.
Identifiers: ClinVar variation 3222281 (VCV003222281.1), dbSNP rs2112801691, ClinGen allele CA360266308.
Genomic context (GRCh38, chr5:80,656,470, plus strand): 5'-GGCTACAGAAATTGACAGAAGAAAGAAGAGACCATTGGAAAATGATGGGCCTGTTAAAAA[G>T]AAAGTAAAGAAAGTCCAACAAAAGGAAGGAGGAAGTGATCTGGGAATGTCTGGCAACTCT-3'
Protein context (NP_002430.3, residues 89-109): RPLENDGPVK[Lys99Asn]KVKKVQQKEG